The following is an entry in ClinVar:

ClinVar aggregate classification (germline): Uncertain significance (1 of 4 stars; one submission).

Conditions:
Inborn genetic diseases. Identifiers: MedGen C0950123, MeSH D030342.

Submission:

Ambry Genetics
Classification: Uncertain significance for Inborn genetic diseases. Last evaluated: 2023-12-29. Review status: criteria provided, single submitter. Criteria: Ambry Variant Classification Scheme 2023. Collection method: clinical testing. Allele origin: germline.
Comment: The p.D1197V variant (also known as c.3590A>T), located in coding exon 19 of the ATR gene, results from an A to T substitution at nucleotide position 3590. The aspartic acid at codon 1197 is replaced by valine, an amino acid with highly dissimilar properties. This amino acid position is conserved. In addition, the in silico prediction for this alteration is inconclusive. Since supporting evidence is limited at this time, the clinical significance of this alteration remains unclear.

NM_001184.4(ATR):c.3590A>T (p.Asp1197Val)

Gene: ATR (ATR checkpoint kinase; minus strand). Cytogenetic location: 3q23.
Variant type: single nucleotide variant.
Coding change: c.3590A>T on transcript NM_001184.4 (MANE Select); coding-DNA position 3590, A replaced by T.
Protein change: p.Asp1197Val; replaces aspartic acid 1197 with valine.
Molecular consequence: missense variant.
Genome position (GRCh38, 1-based): chr3:142,538,617, T>A on the plus strand (A>T on the coding strand, the complement: ATR is on the minus strand). VCF-style: chr3-142538617-T-A. GRCh37 (hg19) VCF-style: chr3-142257459-T-A.
Other names: c.3398A>T, p.Asp1133Val (NM_001354579.2); short protein forms D1133V, D1197V.
Identifiers: ClinVar variation 3221131 (VCV003221131.1), dbSNP rs1161786403, ClinGen allele CA354807651.